The following is an entry in ClinVar:

NM_001365536.1(SCN9A):c.4624C>T (p.His1542Tyr)

Genes: SCN1A-AS1 (SCN1A and SCN9A antisense RNA 1; plus strand), SCN9A (sodium voltage-gated channel alpha subunit 9; minus strand). Cytogenetic location: 2q24.3.
Variant type: single nucleotide variant.
Coding change: c.4624C>T on transcript NM_001365536.1 (MANE Select); coding-DNA position 4624, C replaced by T.
Protein change: p.His1542Tyr; replaces histidine 1542 with tyrosine.
Molecular consequence: missense variant.
Genome position (GRCh38, 1-based): chr2:166,204,105, G>A on the plus strand (C>T on the coding strand, the complement: SCN9A is on the minus strand). VCF-style: chr2-166204105-G-A. GRCh37 (hg19) VCF-style: chr2-167060615-G-A.
Other names: c.4591C>T, p.His1531Tyr (NM_002977.4); short protein forms H1542Y, H1531Y.
Identifiers: ClinVar variation 859709 (VCV000859709.10), dbSNP rs1337886698, ClinGen allele CA349057645.

ClinVar aggregate classification (germline): Uncertain significance (1 of 4 stars; one submission).

Conditions:
Neuropathy, hereditary sensory and autonomic, type 2A (HSAN2A). Also called: HSAN IIA; MORVAN DISEASE; NEUROPATHY, CONGENITAL SENSORY; NEUROPATHY, HEREDITARY SENSORY RADICULAR, AUTOSOMAL RECESSIVE; NEUROPATHY, HEREDITARY SENSORY, TYPE IIA; NEUROPATHY, PROGRESSIVE SENSORY, OF CHILDREN. Identifiers: Orphanet 970, MedGen C2752089, MONDO:0024309, OMIM 201300.
Generalized epilepsy with febrile seizures plus, type 7 (GEFSP7). Also called: GEFS+, TYPE 7. Identifiers: Orphanet 36387, MedGen C2751778, MONDO:0013470, OMIM 613863.

Allele frequency attached by ClinVar (database versions not stated): gnomAD 0.00001; TOPMed 0.00001; gnomAD exomes below 0.00001.
gnomAD v4.1: 4 of 1,612,484 alleles (0.00025%); highest among the groups gnomAD compares: Admixed American, 0.005%; 1 homozygote.

Submission:

Labcorp Genetics (formerly Invitae), Labcorp
Classification: Uncertain significance for Neuropathy, hereditary sensory and autonomic, type 2A; Generalized epilepsy with febrile seizures plus, type 7. Last evaluated: 2023-03-20. Review status: criteria provided, single submitter. Criteria: Invitae Variant Classification Sherloc (09022015). Collection method: clinical testing. Allele origin: germline.
Comment: This sequence change replaces histidine, which is basic and polar, with tyrosine, which is neutral and polar, at codon 1531 of the SCN9A protein (p.His1531Tyr). This variant is present in population databases (no rsID available, gnomAD 0.003%). This variant has not been reported in the literature in individuals affected with SCN9A-related conditions. ClinVar contains an entry for this variant (Variation ID: 859709). Advanced modeling of protein sequence and biophysical properties (such as structural, functional, and spatial information, amino acid conservation, physicochemical variation, residue mobility, and thermodynamic stability) performed at Invitae indicates that this missense variant is not expected to disrupt SCN9A protein function. In summary, the available evidence is currently insufficient to determine the role of this variant in disease. Therefore, it has been classified as a Variant of Uncertain Significance.